The following is an entry in ClinVar:

NM_017763.6(RNF43):c.1751G>C (p.Arg584Pro)

Gene: RNF43 (ring finger protein 43; minus strand). Cytogenetic location: 17q22.
Variant type: single nucleotide variant.
Coding change: c.1751G>C on transcript NM_017763.6 (MANE Select); coding-DNA position 1751, G replaced by C.
Protein change: p.Arg584Pro; replaces arginine 584 with proline.
Molecular consequence: missense variant.
Genome position (GRCh38, 1-based): chr17:58,358,025, C>G on the plus strand (G>C on the coding strand, the complement: RNF43 is on the minus strand). VCF-style: chr17-58358025-C-G. GRCh37 (hg19) VCF-style: chr17-56435386-C-G.
Other names: c.1751G>C, p.Arg584Pro (NM_001305544.3); c.1370G>C, p.Arg457Pro (NM_001305545.2); short protein forms R584P, R457P.
Identifiers: ClinVar variation 2825897 (VCV002825897.3), dbSNP rs372159496, ClinGen allele CA400387604.
Genomic context (GRCh38, chr17:58,358,025, plus strand): 5'-GCTGAGTTGGATCTGGTGACTTGCTGATCAGGAGAAGGTGGCTCTGGCTGGGGCTGTGTC[C>G]GAGGAATAGGAGGCCTGGACTGGGGGACTCCGGTTTCTGGGCCAGGCTTCCTGCCATGCC-3'
Protein context (NP_060233.3, residues 574-594): GVPQSRPPIP[Arg584Pro]TQPQPEPPSP

ClinVar aggregate classification (germline): Uncertain significance (1 of 4 stars; one submission).

gnomAD v4.1: 1 of 1,592,148 alleles (0.000063%); highest among the groups gnomAD compares: Non-Finnish European, 0.000085%; no homozygotes.

Submission:

Labcorp Genetics (formerly Invitae), Labcorp
Classification: Uncertain significance. Last evaluated: 2023-08-29. Review status: criteria provided, single submitter. Criteria: Invitae Variant Classification Sherloc (09022015). Collection method: clinical testing. Allele origin: germline.
Comment: This variant has not been reported in the literature in individuals affected with RNF43-related conditions. This variant is not present in population databases (gnomAD no frequency). This sequence change replaces arginine, which is basic and polar, with proline, which is neutral and non-polar, at codon 584 of the RNF43 protein (p.Arg584Pro). An algorithm developed to predict the effect of missense changes on protein structure and function (PolyPhen-2) suggests that this variant is likely to be tolerated. In summary, the available evidence is currently insufficient to determine the role of this variant in disease. Therefore, it has been classified as a Variant of Uncertain Significance.